The following is an entry in ClinVar:

ClinVar aggregate classification (germline): Uncertain significance (1 of 4 stars; one submission).

Conditions:
Melanoma, cutaneous malignant, susceptibility to, 8. Also called: MELANOMA AND RENAL CELL CARCINOMA, SUSCEPTIBILITY TO; Cutaneous malignant melanoma 8. Identifiers: Orphanet 293822, MedGen C3152204, MONDO:0013759, OMIM 614456.
Tietz syndrome (TADS). Also called: ALBINISM-DEAFNESS OF TIETZ; HYPOPIGMENTATION/DEAFNESS OF TIETZ; TIETZ ALBINISM-DEAFNESS SYNDROME. Identifiers: Orphanet 42665, MedGen C0391816, MONDO:0007077, OMIM 103500.
Waardenburg syndrome type 2A (WS2A). Also called: WAARDENBURG SYNDROME WITHOUT DYSTOPIA CANTHORUM. Identifiers: Orphanet 3440, MedGen C1860339, MONDO:0008671, OMIM 193510.

Submission:

Labcorp Genetics (formerly Invitae), Labcorp
Classification: Uncertain significance for Melanoma, cutaneous malignant, susceptibility to, 8; Waardenburg syndrome type 2A; Tietz syndrome. Last evaluated: 2023-09-05. Review status: criteria provided, single submitter. Criteria: Invitae Variant Classification Sherloc (09022015). Collection method: clinical testing. Allele origin: germline.
Comment: In summary, the available evidence is currently insufficient to determine the role of this variant in disease. Therefore, it has been classified as a Variant of Uncertain Significance. Algorithms developed to predict the effect of sequence changes on RNA splicing suggest that this variant may disrupt the consensus splice site. This variant has been observed in individual(s) with clinical features of Waardenburg syndrome (PMID: 23512835). This variant is not present in population databases (gnomAD no frequency). This variant results in the deletion of part of exon 1 (c.33_33+6del) of the MITF gene. However, it is currently unclear if variants that occur in this region of the gene cause disease.

Literature cited by the submitters: PubMed 23512835.

NM_000248.4(MITF):c.33_33+6del

Gene: MITF (melanocyte inducing transcription factor; plus strand). Cytogenetic location: 3p13.
Variant type: Deletion.
Coding change: c.33_33+6del on transcript NM_000248.4 (MANE Plus Clinical); coding-DNA position 33 through 6 bases into the intron after coding-DNA position 33, 7 bases deleted (GGTGAGA; older notation c.33_33+6delGGTGAGA).
Molecular consequence: splice donor variant. On other transcripts: intron variant (9).
Genome position (GRCh38, 1-based): chr3:69,936,755-69,936,761, GGTGAGA deleted; deleting any 7 consecutive bases within chr3:69,936,754-69,936,761 gives the same sequence; the c. name uses the placement nearest the transcript's 3' end. VCF-style (leftmost placement, unchanged base first): chr3-69936753-CAGGTGAG-C. GRCh37 (hg19) VCF-style: chr3-69985904-CAGGTGAG-C.
Other names: c.304-1067_304-1061del (NM_001354607.2); c.199-1067_199-1061del (NM_001354608.2, NM_001184967.2); c.355-1067_355-1061del (NM_001354604.2, NM_198159.3); c.352-1067_352-1061del (NM_001354605.2, NM_001354606.2, NM_006722.3); c.307-1067_307-1061del (NM_198177.3); c.33_33+6del (NM_198158.3, NM_198178.3, NM_001184968.2).
Identifiers: ClinVar variation 2951403 (VCV002951403.3), dbSNP rs2471579632, ClinGen allele CA2740094486.